The following is an entry in ClinVar:

NM_001242896.3(DEPDC5):c.4519+6G>A

Gene: DEPDC5 (DEP domain containing 5, GATOR1 subcomplex subunit; plus strand). Cytogenetic location: 22q12.3.
Variant type: single nucleotide variant.
Coding change: c.4519+6G>A on transcript NM_001242896.3 (MANE Select); 6 bases into the intron after coding-DNA position 4519, G replaced by A.
Molecular consequence: intron variant.
Genome position (GRCh38, 1-based): chr22:31,906,072, G>A. VCF-style: chr22-31906072-G-A. GRCh37 (hg19) VCF-style: chr22-32302058-G-A.
Other names: c.4519+6G>A (NM_001364318.2); c.4492+6G>A (NM_001136029.4); c.4426+6G>A (NM_014662.6, NM_001369903.1); c.4453+6G>A (NM_001363852.2, NM_001364320.2); c.4285+6G>A (NM_001363854.2, NM_001364319.2); c.4219+6G>A (NM_001242897.2); c.4435+6G>A (NM_001369902.1, NM_001369901.1).
Identifiers: ClinVar variation 3050873 (VCV003050873.2), dbSNP rs1169832074, ClinGen allele CA639390408.

ClinVar aggregate classification (germline): Likely benign (0 of 4 stars; one submission).

Conditions:
DEPDC5-related disorder. Also called: DEPDC5-related related disorder; DEPDC5-related condition.

Submission:

PreventionGenetics, part of Exact Sciences
Classification: Likely benign for DEPDC5-related condition. Last evaluated: 2023-03-28. Review status: no assertion criteria provided. Collection method: clinical testing. Allele origin: germline.
Comment: This variant is classified as likely benign based on ACMG/AMP sequence variant interpretation guidelines (Richards et al. 2015 PMID: 25741868, with internal and published modifications).